The following is an entry in ClinVar:

NM_001024843.2(TNRC6B):c.52C>A (p.Gln18Lys)

Gene: TNRC6B (trinucleotide repeat containing adaptor 6B; plus strand). Cytogenetic location: 22q13.1.
Variant type: single nucleotide variant.
Coding change: c.52C>A on transcript NM_001024843.2; coding-DNA position 52, C replaced by A.
Protein change: p.Gln18Lys; replaces glutamine 18 with lysine.
Molecular consequence: missense variant.
Genome position (GRCh38, 1-based): chr22:40,156,121, C>A. VCF-style: chr22-40156121-C-A. GRCh37 (hg19) VCF-style: chr22-40552125-C-A.
Other names: short protein forms Q18K.
Identifiers: ClinVar variation 3371146 (VCV003371146.1).
Genomic context (GRCh38, chr22:40,156,121, plus strand): 5'-TGAGTCGCATTGTAGTTACTGACTGCTGCTGACCTGTGGTGCTTGCCTTTGCAGGTGGAA[C>A]AGGAGGATTTTGTAATGGAAGGGCATGGCAAGACTCCACCTCCTGGTGAAGAAAGCAAAC-3'

ClinVar aggregate classification (germline): Uncertain significance (1 of 4 stars; one submission).

Submission:

GeneDx
Classification: Uncertain significance. Last evaluated: 2024-03-19. Review status: criteria provided, single submitter. Criteria: GeneDx Variant Classification Process June 2021. Collection method: clinical testing. Allele origin: germline. Affected: yes.
Comment: Not observed at significant frequency in large population cohorts (gnomAD); In silico analysis supports that this missense variant has a deleterious effect on protein structure/function; Has not been previously published as pathogenic or benign to our knowledge; Reported using an alternate transcript of the gene